The following is an entry in ClinVar:

ClinVar aggregate classification (germline): Uncertain significance. Review status: criteria provided, multiple submitters, no conflicts (2 of 4 stars). 3 submissions from 3 submitters: Uncertain significance (3). Last evaluated 2024-05-27.

Conditions:
Fanconi anemia complementation group C (FANCC). Also called: FANCC-Related Fanconi Anemia; Fanconi anemia, group C; FANCONI PANCYTOPENIA, TYPE 3; FACC. Identifiers: Orphanet 84, MedGen C3468041, MONDO:0009213, OMIM 227645.
Hereditary cancer-predisposing syndrome. Also called: Hereditary Cancer Syndrome; Tumor predisposition; Hereditary neoplastic syndrome; Neoplastic Syndromes, Hereditary. Identifiers: Orphanet 140162, MedGen C0027672, MeSH D009386, MONDO:0015356.
Fanconi anemia (FA). Also called: Fanconi's anemia. Identifiers: Orphanet 84, MedGen C0015625, MeSH D005199, MONDO:0019391.

Submissions (3):

Fulgent Genetics
Classification: Uncertain significance for Fanconi anemia complementation group C. Last evaluated: 2024-05-27. Review status: criteria provided, single submitter. Criteria: ACMG Guidelines, 2015. Collection method: clinical testing. Allele origin: germline.

Labcorp Genetics (formerly Invitae), Labcorp
Classification: Uncertain significance for Fanconi anemia. Last evaluated: 2022-07-19. Review status: criteria provided, single submitter. Criteria: Invitae Variant Classification Sherloc (09022015). Collection method: clinical testing. Allele origin: germline.
Comment: This sequence change replaces alanine, which is neutral and non-polar, with valine, which is neutral and non-polar, at codon 301 of the FANCC protein (p.Ala301Val). This variant is not present in population databases (gnomAD no frequency). This variant has not been reported in the literature in individuals affected with FANCC-related conditions. ClinVar contains an entry for this variant (Variation ID: 1041111). Algorithms developed to predict the effect of missense changes on protein structure and function output the following: SIFT: "Tolerated"; PolyPhen-2: "Benign"; Align-GVGD: "Class C0". The valine amino acid residue is found in multiple mammalian species, which suggests that this missense change does not adversely affect protein function. In summary, the available evidence is currently insufficient to determine the role of this variant in disease. Therefore, it has been classified as a Variant of Uncertain Significance.

Ambry Genetics
Classification: Uncertain significance for Hereditary cancer-predisposing syndrome. Last evaluated: 2022-05-12. Review status: criteria provided, single submitter. Criteria: Ambry Variant Classification Scheme 2023. Collection method: clinical testing. Allele origin: germline.
Comment: The p.A301V variant (also known as c.902C>T), located in coding exon 9 of the FANCC gene, results from a C to T substitution at nucleotide position 902. The alanine at codon 301 is replaced by valine, an amino acid with similar properties. This amino acid position is conserved. In addition, this alteration is predicted to be tolerated by in silico analysis. Since supporting evidence is limited at this time, the clinical significance of this alteration remains unclear.

NM_000136.3(FANCC):c.902C>T (p.Ala301Val)

Genes: AOPEP (aminopeptidase O (putative); plus strand), FANCC (FA complementation group C; minus strand). Cytogenetic location: 9q22.32.
Variant type: single nucleotide variant.
Coding change: c.902C>T on transcript NM_000136.3 (MANE Select); coding-DNA position 902, C replaced by T.
Protein change: p.Ala301Val; replaces alanine 301 with valine.
Molecular consequence: missense variant.
Genome position (GRCh38, 1-based): chr9:95,125,180, G>A on the plus strand (C>T on the coding strand, the complement: FANCC is on the minus strand). VCF-style: chr9-95125180-G-A. GRCh37 (hg19) VCF-style: chr9-97887462-G-A.
Other names: c.902C>T, p.Ala301Val (NM_001243743.2, NM_001243744.2); short protein forms A301V.
Identifiers: ClinVar variation 1041111 (VCV001041111.8), dbSNP rs553689536, ClinGen allele CA374109024.
Genomic context (GRCh38, chr9:95,125,180, plus strand): 5'-CACTGCGTAAACACCTGAATAGTGGCTATGATTTCCAGGGCCCCATCGGTTTCCAGGAGT[G>A]CACACCTGAACAATGCAAAGTCAGATCAGAACACGTTTAACAAGTAATCCGGCAAACATG-3'
Protein context (NP_000127.2, residues 291-311): FRVVDEMFRC[Ala301Val]LLETDGALEI